The following is an entry in ClinVar:

NM_014014.5(SNRNP200):c.4487A>G (p.Asn1496Ser)

Gene: SNRNP200 (small nuclear ribonucleoprotein U5 subunit 200; minus strand). Cytogenetic location: 2q11.2.
Variant type: single nucleotide variant.
Coding change: c.4487A>G on transcript NM_014014.5 (MANE Select); coding-DNA position 4487, A replaced by G.
Protein change: p.Asn1496Ser; replaces asparagine 1496 with serine.
Molecular consequence: missense variant.
Genome position (GRCh38, 1-based): chr2:96,283,910, T>C on the plus strand (A>G on the coding strand, the complement: SNRNP200 is on the minus strand). VCF-style: chr2-96283910-T-C. GRCh37 (hg19) VCF-style: chr2-96949648-T-C.
Other names: c.4487A>G (NM_014014.4); short protein forms N1496S.
Identifiers: ClinVar variation 3028854 (VCV003028854.5), dbSNP rs777905152, ClinGen allele CA1778204.

ClinVar aggregate classification (germline): Uncertain significance. Review status: criteria provided, multiple submitters, no conflicts (2 of 4 stars). 4 submissions from 4 submitters: Uncertain significance (4). Last evaluated 2025-01-18.

Conditions:
Inborn genetic diseases. Identifiers: MedGen C0950123, MeSH D030342.
Retinal dystrophy. Also called: Inherited retinal dystrophy. Identifiers: Orphanet 71862, MedGen C0854723, MeSH D058499, MONDO:0019118, HP:0000556.

Allele frequency attached by ClinVar (database versions not stated): gnomAD 0.00001; ExAC 0.00002.
gnomAD v4.1: 36 of 1,597,966 alleles (0.0023%); highest among the groups gnomAD compares: East Asian, 0.0046%; no homozygotes.

Submissions (4):

Ambry Genetics
Classification: Uncertain significance for Inborn genetic diseases. Last evaluated: 2025-01-18. Review status: criteria provided, single submitter. Criteria: Ambry Variant Classification Scheme 2023. Collection method: clinical testing. Allele origin: germline.

Labcorp Genetics (formerly Invitae), Labcorp
Classification: Uncertain significance. Last evaluated: 2024-04-03. Review status: criteria provided, single submitter. Criteria: Invitae Variant Classification Sherloc (09022015). Collection method: clinical testing. Allele origin: germline.
Comment: This sequence change replaces asparagine, which is neutral and polar, with serine, which is neutral and polar, at codon 1496 of the SNRNP200 protein (p.Asn1496Ser). This variant is present in population databases (rs777905152, gnomAD 0.006%). This variant has not been reported in the literature in individuals affected with SNRNP200-related conditions. Advanced modeling of protein sequence and biophysical properties (such as structural, functional, and spatial information, amino acid conservation, physicochemical variation, residue mobility, and thermodynamic stability) has been performed at Invitae for this missense variant, however the output from this modeling did not meet the statistical confidence thresholds required to predict the impact of this variant on SNRNP200 protein function. In summary, the available evidence is currently insufficient to determine the role of this variant in disease. Therefore, it has been classified as a Variant of Uncertain Significance.

Blueprint Genetics
Classification: Uncertain significance. Last evaluated: 2023-11-28. Review status: criteria provided, single submitter. Criteria: ACMG Guidelines, 2015. Collection method: clinical testing. Allele origin: germline.

Dept Of Ophthalmology, Nagoya University
Classification: Uncertain significance for Retinal dystrophy. Last evaluated: 2023-10-01. Review status: criteria provided, single submitter. Criteria: Submitter's publication. Collection method: research. Allele origin: germline. Affected: yes.